The following is an entry in ClinVar:

ClinVar aggregate classification (germline): Pathogenic (1 of 4 stars; one submission).

Conditions:
von Willebrand disorder (VWD). Also called: von Willebrand Diseases; Von Willebrand disease (hereditary or acquired); von Willebrand's disease. Identifiers: MedGen C0042974, MeSH D014842, MONDO:0024574.

Submission:

Women's Health and Genetics/Laboratory Corporation of America, LabCorp
Classification: Pathogenic for von Willebrand disorder. Last evaluated: 2024-09-23. Review status: criteria provided, single submitter. Criteria: LabCorp Variant Classification Summary - May 2015. Collection method: clinical testing. Allele origin: germline.
Comment: Variant summary: The variant involves the deletion of exons 1-52 in the VWF gene. A presumed nomenclature of c.(?_-251)_(*139_?)del has been designated for the purposes of this classification. This deletion includes the entire coding sequence of the gene. As the exact proximal and distal breakpoints are unknown, it may extend beyond the annotated region of the gene to include other flanking genes. The variant allele was found at a frequency of 8.3e-06 in 120780 control chromosomes in the gnomAD database (Structural Variants v4.1 dataset). Whole VWF gene deletions have been reported in the literature in individuals affected with Von Willebrand Disease (e.g. Yadegari_2012, Veyradier_2016). To our knowledge, no experimental evidence demonstrating an impact on protein function has been reported. The following publications have been ascertained in the context of this evaluation (PMID: 22871923, 26986123). ClinVar contains entries for large deletion variants that cover the entire VWF gene (e.g. Variation IDs: 1527679, 1065230). Based on the evidence outlined above, the variant was classified as pathogenic.

Literature cited by the submitters: PubMed 26986123; PubMed 22871923.

NC_000012.11:g.(?_6058042)_(6233837_?)del

Gene: VWF (von Willebrand factor; minus strand). Cytogenetic location: 12p13.31.
Variant type: Deletion.
Identifiers: ClinVar variation 3375311 (VCV003375311.1).